The following is an entry in ClinVar:

ClinVar aggregate classification (germline): Uncertain significance (1 of 4 stars; one submission).

Conditions:
Hereditary cancer-predisposing syndrome. Also called: Neoplastic Syndromes, Hereditary; Tumor predisposition; Hereditary Cancer Syndrome; Hereditary neoplastic syndrome. Identifiers: Orphanet 140162, MedGen C0027672, MeSH D009386, MONDO:0015356.

Submission:

Ambry Genetics
Classification: Uncertain significance for Hereditary cancer-predisposing syndrome. Last evaluated: 2021-06-10. Review status: criteria provided, single submitter. Criteria: Ambry Variant Classification Scheme 2023. Collection method: clinical testing. Allele origin: germline.
Comment: The p.K73R variant (also known as c.218A>G), located in coding exon 3 of the NBN gene, results from an A to G substitution at nucleotide position 218. The lysine at codon 73 is replaced by arginine, an amino acid with highly similar properties. This amino acid position is highly conserved in available vertebrate species. In addition, the in silico prediction for this alteration is inconclusive. Since supporting evidence is limited at this time, the clinical significance of this alteration remains unclear.

NM_002485.5(NBN):c.218A>G (p.Lys73Arg)

Gene: NBN (nibrin; minus strand). Cytogenetic location: 8q21.3.
Variant type: single nucleotide variant.
Coding change: c.218A>G on transcript NM_002485.5 (MANE Select); coding-DNA position 218, A replaced by G.
Protein change: p.Lys73Arg; replaces lysine 73 with arginine.
Molecular consequence: missense variant. On other transcripts: 5 prime UTR variant (1).
Genome position (GRCh38, 1-based): chr8:89,981,477, T>C on the plus strand (A>G on the coding strand, the complement: NBN is on the minus strand). VCF-style: chr8-89981477-T-C. GRCh37 (hg19) VCF-style: chr8-90993705-T-C.
Other names: c.-29A>G (NM_001024688.3); short protein forms K73R.
Identifiers: ClinVar variation 1787390 (VCV001787390.2), dbSNP rs2488361185, ClinGen allele CA371662546.
Genomic context (GRCh38, chr8:89,981,477, plus strand): 5'-GACTTCAAAGTTCGGGAAAAGCCATTCTGCATTTTTTCCTCATTAACAAAGGTACCATAC[T>C]TAGAATTATCTTTTAATGTCAATACAGGGATTTCATCTGTTTGACTCTGAAAAGTTAGCA-3'
Protein context (NP_002476.2, residues 63-83): IPVLTLKDNS[Lys73Arg]YGTFVNEEKM